The following is an entry in ClinVar:

ClinVar aggregate classification (germline): Benign. Review status: criteria provided, multiple submitters, no conflicts (2 of 4 stars). 4 submissions from 4 submitters: Benign (3). 1 of the submissions does not count toward it. Last evaluated 2026-02-03.

Conditions:
POP1-related disorder. Also called: POP1-related condition.

Allele frequency attached by ClinVar (database versions not stated): 1000 Genomes Project 30x 0.07683; TOPMed 0.10141; 1000 Genomes Project 0.07248; gnomAD exomes 0.08930; gnomAD 0.09914 and 0.10208; ExAC 0.09218; ESP Exome Variant Server 0.11164.
gnomAD v4.1: 153,675 of 1,607,934 alleles (9.6%); highest among the groups gnomAD compares: Middle Eastern, 17%; 8,311 homozygotes.

Submissions (4):

Labcorp Genetics (formerly Invitae), Labcorp
Classification: Benign. Last evaluated: 2026-02-03. Review status: criteria provided, single submitter. Criteria: Invitae Variant Classification Sherloc (09022015). Collection method: clinical testing. Allele origin: germline.

GeneDx
Classification: Benign. Last evaluated: 2018-11-12. Review status: criteria provided, single submitter. Criteria: GeneDx Variant Classification Process June 2021. Collection method: clinical testing. Allele origin: germline. Affected: yes.

Breakthrough Genomics
Classification: Benign. Review status: criteria provided, single submitter. Criteria: ACMG Guidelines, 2015. Collection method: not provided. Allele origin: germline. Inheritance: Autosomal recessive inheritance. Affected: yes.

PreventionGenetics, part of Exact Sciences
Classification: Benign for POP1-related condition. Last evaluated: 2019-10-30. Review status: no assertion criteria provided. Collection method: clinical testing. Allele origin: germline. Not counted in ClinVar's aggregate classification.
Comment: This variant is classified as benign based on ACMG/AMP sequence variant interpretation guidelines (Richards et al. 2015 PMID: 25741868, with internal and published modifications).

NM_001145860.2(POP1):c.1594+10C>T

Gene: POP1 (POP1 ribonuclease P/MRP subunit; plus strand). Cytogenetic location: 8q22.2.
Variant type: single nucleotide variant.
Coding change: c.1594+10C>T on transcript NM_001145860.2 (MANE Select); 10 bases into the intron after coding-DNA position 1594, C replaced by T.
Molecular consequence: intron variant.
Genome position (GRCh38, 1-based): chr8:98,140,898, C>T. VCF-style: chr8-98140898-C-T. GRCh37 (hg19) VCF-style: chr8-99153126-C-T.
Other names: c.1594+10C>T (NM_015029.2, NM_001145861.2, NM_015029.3).
Identifiers: ClinVar variation 1225530 (VCV001225530.14), dbSNP rs28575522, ClinGen allele CA4820637.